The following is an entry in ClinVar:

NM_015100.4(POGZ):c.2176C>A (p.Pro726Thr)

Gene: POGZ (pogo transposable element derived with ZNF domain; minus strand). Cytogenetic location: 1q21.3.
Variant type: single nucleotide variant.
Coding change: c.2176C>A on transcript NM_015100.4 (MANE Select); coding-DNA position 2176, C replaced by A.
Protein change: p.Pro726Thr; replaces proline 726 with threonine.
Molecular consequence: missense variant.
Genome position (GRCh38, 1-based): chr1:151,408,467, G>T on the plus strand (C>A on the coding strand, the complement: POGZ is on the minus strand). VCF-style: chr1-151408467-G-T. GRCh37 (hg19) VCF-style: chr1-151380943-G-T.
Other names: c.2149C>A, p.Pro717Thr (NM_001194937.2); c.1990C>A, p.Pro664Thr (NM_001194938.2); c.1891C>A, p.Pro631Thr (NM_145796.4); c.2017C>A, p.Pro673Thr (NM_207171.2); short protein forms P631T, P664T, P673T, P717T, P726T.
Identifiers: ClinVar variation 1187134 (VCV001187134.4), dbSNP rs890324171, ClinGen allele CA341956440.
Genomic context (GRCh38, chr1:151,408,467, plus strand): 5'-ACATTTTCCTAACAGCTCTCTTCTGGATGCTGCGCTGGACAGGGGGATAAAGGAAGACAG[G>T]CAGAGGGTCCATTGAGGAGGTCAGCGGTGCTGCCTCCTGCAAGGCGCTGGGAGGTGTATC-3'
Protein context (NP_055915.2, residues 716-736): APLTSSMDPL[Pro726Thr]VFLYPPVQRS

ClinVar aggregate classification (germline): Uncertain significance (1 of 4 stars; one submission).

Submission:

GeneDx
Classification: Uncertain significance. Last evaluated: 2025-06-04. Review status: criteria provided, single submitter. Criteria: GeneDx Variant Classification Process June 2021. Collection method: clinical testing. Allele origin: germline. Affected: yes.
Comment: Not observed at significant frequency in large population cohorts (gnomAD); In silico analysis suggests that this missense variant does not alter protein structure/function; Has not been previously published as pathogenic or benign to our knowledge